The following is an entry in ClinVar:

NM_001134831.2(AHI1):c.281C>T (p.Thr94Met)

Gene: AHI1 (Abelson helper integration site 1; minus strand). Cytogenetic location: 6q23.3.
Variant type: single nucleotide variant.
Coding change: c.281C>T on transcript NM_001134831.2 (MANE Select); coding-DNA position 281, C replaced by T.
Protein change: p.Thr94Met; replaces threonine 94 with methionine.
Molecular consequence: missense variant.
Genome position (GRCh38, 1-based): chr6:135,466,282, G>A on the plus strand (C>T on the coding strand, the complement: AHI1 is on the minus strand). VCF-style: chr6-135466282-G-A. GRCh37 (hg19) VCF-style: chr6-135787420-G-A.
Other names: c.281C>T, p.Thr94Met (NM_001134830.2, NM_001134832.2, NM_001350503.2 and 2 more transcripts); short protein forms T94M.
Identifiers: ClinVar variation 1517152 (VCV001517152.11), dbSNP rs373490556, ClinGen allele CA4012857.

ClinVar aggregate classification (germline): Conflicting classifications of pathogenicity. Review status: criteria provided, conflicting classifications (1 of 4 stars). 5 submissions from 5 submitters: Uncertain significance (4); Likely benign (1). Last evaluated 2026-03-18.

Conditions:
Inborn genetic diseases. Identifiers: MedGen C0950123, MeSH D030342.
AHI1-related disorder. Also called: AHI1-related condition.
Joubert syndrome. Also called: Familial aplasia of the vermis; JOUBERT-BOLTSHAUSER SYNDROME. Identifiers: Orphanet 475, MedGen C5979921, MONDO:0018772.
Joubert syndrome 3 (JBTS3). Also called: AHI1-related Ciliopathy. Identifiers: Orphanet 220493, MedGen C1837713, MONDO:0012078, OMIM 608629.

Allele frequency attached by ClinVar (database versions not stated): gnomAD 0.00001 and 0.00003; ExAC 0.00004; TOPMed 0.00004; gnomAD exomes 0.00005 and 0.00007; ESP Exome Variant Server 0.00008.

Submissions (5):

PreventionGenetics, part of Exact Sciences
Classification: Uncertain significance for AHI1-related condition. Last evaluated: 2026-03-18. Review status: criteria provided, single submitter. Criteria: ACMG Guidelines, 2015. Collection method: clinical testing. Allele origin: germline.
Comment: The AHI1 c.281C>T variant is predicted to result in the amino acid substitution p.Thr94Met. To our knowledge, this variant has not been reported in the literature. This variant is reported in 0.012% of alleles in individuals of European (Non-Finnish) descent in gnomAD. At this time, the clinical significance of this variant is uncertain due to the absence of conclusive functional and genetic evidence.

Labcorp Genetics (formerly Invitae), Labcorp
Classification: Uncertain significance for Joubert syndrome. Last evaluated: 2024-10-06. Review status: criteria provided, single submitter. Criteria: Invitae Variant Classification Sherloc (09022015). Collection method: clinical testing. Allele origin: germline.
Comment: This sequence change replaces threonine, which is neutral and polar, with methionine, which is neutral and non-polar, at codon 94 of the AHI1 protein (p.Thr94Met). This variant is present in population databases (rs373490556, gnomAD 0.01%). This variant has not been reported in the literature in individuals affected with AHI1-related conditions. ClinVar contains an entry for this variant (Variation ID: 1517152). Invitae Evidence Modeling of protein sequence and biophysical properties (such as structural, functional, and spatial information, amino acid conservation, physicochemical variation, residue mobility, and thermodynamic stability) indicates that this missense variant is not expected to disrupt AHI1 protein function with a negative predictive value of 95%. In summary, the available evidence is currently insufficient to determine the role of this variant in disease. Therefore, it has been classified as a Variant of Uncertain Significance.

Ambry Genetics
Classification: Likely benign for Inborn genetic diseases. Last evaluated: 2023-08-20. Review status: criteria provided, single submitter. Criteria: Ambry Variant Classification Scheme 2023. Collection method: clinical testing. Allele origin: germline.

Blueprint Genetics
Classification: Uncertain significance. Last evaluated: 2023-08-09. Review status: criteria provided, single submitter. Criteria: ACMG Guidelines, 2015. Collection method: clinical testing. Allele origin: germline.

Fulgent Genetics
Classification: Uncertain significance for Joubert syndrome 3. Last evaluated: 2022-05-27. Review status: criteria provided, single submitter. Criteria: ACMG Guidelines, 2015. Collection method: clinical testing. Allele origin: unknown.